The following is an entry in ClinVar:

ClinVar aggregate classification (germline): Pathogenic (1 of 4 stars; one submission).

Submission:

Labcorp Genetics (formerly Invitae), Labcorp
Classification: Pathogenic. Last evaluated: 2020-12-09. Review status: criteria provided, single submitter. Criteria: Invitae Variant Classification Sherloc (09022015). Collection method: clinical testing. Allele origin: germline.
Comment: For these reasons, this variant has been classified as Pathogenic. This variant has not been reported in the literature in individuals with CLCN4-related conditions. This variant is a gross deletion of the genomic region encompassing exon(s) 3-10 of the CLCN4 gene, which includes the initiator codon. The 5' end of this event is unknown as it extends beyond the assayed region for this gene and therefore may encompass additional genes. The 3' boundary is likely confined to intron 10 of the CLCN4 gene. It is expected to result in an absent or disrupted protein product. Loss-of-function variants in CLCN4 are known to be pathogenic (PMID: 25644381, 27550844).

Literature cited by the submitters: PubMed 25644381; PubMed 27550844.

NC_000023.10:g.(?_10153073)_(10180703_?)del

Gene: CLCN4 (chloride voltage-gated channel 4; plus strand). Cytogenetic location: Xp22.2.
Variant type: Deletion.
Identifiers: ClinVar variation 1421100 (VCV001421100.4).